The following is an entry in ClinVar:

NM_015103.3(PLXND1):c.1610C>T (p.Thr537Met)

Gene: PLXND1 (plexin D1; minus strand). Cytogenetic location: 3q22.1.
Variant type: single nucleotide variant.
Coding change: c.1610C>T on transcript NM_015103.3 (MANE Select); coding-DNA position 1610, C replaced by T.
Protein change: p.Thr537Met; replaces threonine 537 with methionine.
Molecular consequence: missense variant.
Genome position (GRCh38, 1-based): chr3:129,586,598, G>A on the plus strand (C>T on the coding strand, the complement: PLXND1 is on the minus strand). VCF-style: chr3-129586598-G-A. GRCh37 (hg19) VCF-style: chr3-129305441-G-A.
Other names: short protein forms T537M.
Identifiers: ClinVar variation 2217428 (VCV002217428.3), dbSNP rs201180612, ClinGen allele CA2609326.

ClinVar aggregate classification (germline): Uncertain significance. Review status: criteria provided, multiple submitters, no conflicts (2 of 4 stars). 2 submissions from 2 submitters: Uncertain significance (2). Last evaluated 2025-02-21.

Allele frequency attached by ClinVar (database versions not stated): gnomAD exomes 0.00001; gnomAD 0.00004; ESP Exome Variant Server 0.00008; TOPMed 0.00019.
gnomAD v4.1: 15 of 1,569,100 alleles (0.00096%); highest among the groups gnomAD compares: Admixed American, 0.013%; no homozygotes.

Submissions (2):

GeneDx
Classification: Uncertain significance. Last evaluated: 2025-02-21. Review status: criteria provided, single submitter. Criteria: GeneDx Variant Classification Process June 2021. Collection method: clinical testing. Allele origin: germline. Affected: yes.
Comment: Not observed at significant frequency in large population cohorts (gnomAD); In silico analysis supports that this missense variant has a deleterious effect on protein structure/function; Has not been previously published as pathogenic or benign to our knowledge

Ambry Genetics
Classification: Uncertain significance. Last evaluated: 2021-06-22. Review status: criteria provided, single submitter. Criteria: Ambry Variant Classification Scheme 2023. Collection method: clinical testing. Allele origin: germline.